The following is an entry in ClinVar:

NM_001348041.4(BBS9):c.2652G>A (p.Arg884=)

Gene: BBS9 (Bardet-Biedl syndrome 9; plus strand). Cytogenetic location: 7p14.3.
Variant type: single nucleotide variant.
Coding change: c.2652G>A on transcript NM_001348041.4; coding-DNA position 2652, G replaced by A.
Protein change: p.Arg884=; no amino-acid change (arginine 884 retained).
Molecular consequence: synonymous variant.
Genome position (GRCh38, 1-based): chr7:33,635,196, G>A. VCF-style: chr7-33635196-G-A. GRCh37 (hg19) VCF-style: chr7-33674808-G-A.
Other names: c.2541G>A, p.Arg847= (NM_001362679.1).
Identifiers: ClinVar variation 3349030 (VCV003349030.1).
Genomic context (GRCh38, chr7:33,635,196, plus strand): 5'-CCTCCTCTGCCATTACTCCCTCCATCTCTCTCTGTTCACAGACCCCAGGACTGGACAGAG[G>A]ATCGAGGCCTGGACCCTAAGAATACCCCACTCCCTGAGCCAGCATCTCCAGCTGATGGAG-3'

ClinVar aggregate classification (germline): Likely benign (0 of 4 stars; one submission).

Conditions:
BBS9-related disorder. Also called: BBS9-related condition.

gnomAD v4.1: 1 of 145,114 alleles (0.00069%); highest among the groups gnomAD compares: Non-Finnish European, 0.0015%; no homozygotes.

Submission:

PreventionGenetics, part of Exact Sciences
Classification: Likely benign for BBS9-related condition. Last evaluated: 2023-07-31. Review status: no assertion criteria provided. Collection method: clinical testing. Allele origin: germline.
Comment: This variant is classified as likely benign based on ACMG/AMP sequence variant interpretation guidelines (Richards et al. 2015 PMID: 25741868, with internal and published modifications).